The following is an entry in ClinVar:

NM_000093.5(COL5A1):c.3006+1G>A

Gene: COL5A1 (collagen type V alpha 1 chain; plus strand). Cytogenetic location: 9q34.3.
Variant type: single nucleotide variant.
Coding change: c.3006+1G>A on transcript NM_000093.5 (MANE Select); the canonical splice donor site of the intron after coding-DNA position 3006, G replaced by A.
Molecular consequence: splice donor variant.
Genome position (GRCh38, 1-based): chr9:134,802,008, G>A. VCF-style: chr9-134802008-G-A. GRCh37 (hg19) VCF-style: chr9-137693854-G-A.
Other names: c.3006+1G>A (NM_001278074.1).
Identifiers: ClinVar variation 2090061 (VCV002090061.4), dbSNP rs2490785356, ClinGen allele CA375447884.

ClinVar aggregate classification (germline): Likely pathogenic (1 of 4 stars; one submission).

Conditions:
Ehlers-Danlos syndrome, classic type, 1 (EDSCL1). Also called: EHLERS-DANLOS SYNDROME, GRAVIS TYPE; EHLERS-DANLOS SYNDROME, SEVERE CLASSIC TYPE; Ehlers-Danlos syndrome, type 1; EDS I; Ehlers-Danlos Syndrome, Classic Type, COL5A1-Related. Identifiers: MedGen C0268335, MONDO:0019567, OMIM 130000.

Submission:

Labcorp Genetics (formerly Invitae), Labcorp
Classification: Likely pathogenic for Ehlers-Danlos syndrome, classic type, 1. Last evaluated: 2022-06-07. Review status: criteria provided, single submitter. Criteria: Invitae Variant Classification Sherloc (09022015). Collection method: clinical testing. Allele origin: germline.
Comment: This sequence change affects a donor splice site in intron 38 of the COL5A1 gene. It is expected to disrupt RNA splicing. Variants that disrupt the donor or acceptor splice site typically lead to a loss of protein function (PMID: 16199547), and loss-of-function variants in COL5A1 are known to be pathogenic (PMID: 23587214). This variant is not present in population databases (gnomAD no frequency). This variant has not been reported in the literature in individuals affected with COL5A1-related conditions. Algorithms developed to predict the effect of sequence changes on RNA splicing suggest that this variant may disrupt the consensus splice site. In summary, the currently available evidence indicates that the variant is pathogenic, but additional data are needed to prove that conclusively. Therefore, this variant has been classified as Likely Pathogenic.

Literature cited by the submitters: PubMed 16199547; PubMed 23587214.